The following is an entry in ClinVar:

NM_024496.4(IRF2BPL):c.1336A>G (p.Met446Val)

Gene: IRF2BPL (interferon regulatory factor 2 binding protein like; minus strand). Cytogenetic location: 14q24.3.
Variant type: single nucleotide variant.
Coding change: c.1336A>G on transcript NM_024496.4 (MANE Select); coding-DNA position 1336, A replaced by G.
Protein change: p.Met446Val; replaces methionine 446 with valine.
Molecular consequence: missense variant.
Genome position (GRCh38, 1-based): chr14:77,026,457, T>C on the plus strand (A>G on the coding strand, the complement: IRF2BPL is on the minus strand). VCF-style: chr14-77026457-T-C. GRCh37 (hg19) VCF-style: chr14-77492800-T-C.
Other names: short protein forms M446V.
Identifiers: ClinVar variation 2430511 (VCV002430511.1), dbSNP rs2503075863, ClinGen allele CA390494786.

ClinVar aggregate classification (germline): Uncertain significance (1 of 4 stars; one submission).

Submission:

GeneDx
Classification: Uncertain significance. Last evaluated: 2022-08-17. Review status: criteria provided, single submitter. Criteria: GeneDx Variant Classification Process June 2021. Collection method: clinical testing. Allele origin: germline. Affected: yes.
Comment: Not observed at significant frequency in large population cohorts (gnomAD); In silico analysis supports that this missense variant does not alter protein structure/function; Has not been previously published as pathogenic or benign to our knowledge